The following is an entry in ClinVar:

ClinVar aggregate classification (germline): Uncertain significance. Review status: criteria provided, multiple submitters, no conflicts (2 of 4 stars). 3 submissions from 3 submitters: Uncertain significance (3). Last evaluated 2025-09-30.

Conditions:
Developmental and epileptic encephalopathy, 11 (DEE11). Also called: Early infantile epileptic encephalopathy 11. Identifiers: Orphanet 1934, MedGen C3150987, MONDO:0013388, OMIM 613721.
Seizures, benign familial infantile, 3 (BFIS3). Also called: CONVULSIONS, BENIGN FAMILIAL INFANTILE, 3; Familial neonatal seizures. Identifiers: Orphanet 140927, Orphanet 306, MedGen C1843140, MONDO:0011904, OMIM 607745.
Inborn genetic diseases. Identifiers: MedGen C0950123, MeSH D030342.

Allele frequency attached by ClinVar (database versions not stated): gnomAD 0.00001; TOPMed 0.00001.
gnomAD v4.1: 1 of 1,614,016 alleles (0.000062%); highest among the groups gnomAD compares: African/African-American, 0.0013%; no homozygotes.

Submissions (3):

GeneDx
Classification: Uncertain significance. Last evaluated: 2025-09-30. Review status: criteria provided, single submitter. Criteria: GeneDx Variant Classification Process June 2021. Collection method: clinical testing. Allele origin: germline. Affected: yes.
Comment: Not observed at significant frequency in large population cohorts (gnomAD); In silico analysis supports that this missense variant has a deleterious effect on protein structure/function; Has not been previously published as pathogenic or benign to our knowledge; This substitution is predicted to be within the extracellular loop between the S1 and S2 transmembrane segments of the third homologous domain

Labcorp Genetics (formerly Invitae), Labcorp
Classification: Uncertain significance for Seizures, benign familial infantile, 3; Developmental and epileptic encephalopathy, 11. Last evaluated: 2025-02-24. Review status: criteria provided, single submitter. Criteria: Invitae Variant Classification Sherloc (09022015). Collection method: clinical testing. Allele origin: germline.
Comment: This sequence change replaces lysine, which is basic and polar, with glutamic acid, which is acidic and polar, at codon 1236 of the SCN2A protein (p.Lys1236Glu). This variant is not present in population databases (gnomAD no frequency). This variant has not been reported in the literature in individuals affected with SCN2A-related conditions. ClinVar contains an entry for this variant (Variation ID: 1213466). Invitae Evidence Modeling of protein sequence and biophysical properties (such as structural, functional, and spatial information, amino acid conservation, physicochemical variation, residue mobility, and thermodynamic stability) indicates that this missense variant is expected to disrupt SCN2A protein function with a positive predictive value of 95%. In summary, the available evidence is currently insufficient to determine the role of this variant in disease. Therefore, it has been classified as a Variant of Uncertain Significance.

Ambry Genetics
Classification: Uncertain significance for Inborn genetic diseases. Last evaluated: 2024-11-21. Review status: criteria provided, single submitter. Criteria: Ambry Variant Classification Scheme 2023. Collection method: clinical testing. Allele origin: germline.

NM_001040142.2(SCN2A):c.3706A>G (p.Lys1236Glu)

Gene: SCN2A (sodium voltage-gated channel alpha subunit 2; plus strand). Cytogenetic location: 2q24.3.
Variant type: single nucleotide variant.
Coding change: c.3706A>G on transcript NM_001040142.2 (MANE Select); coding-DNA position 3706, A replaced by G.
Protein change: p.Lys1236Glu; replaces lysine 1236 with glutamic acid.
Molecular consequence: missense variant.
Genome position (GRCh38, 1-based): chr2:165,370,156, A>G. VCF-style: chr2-165370156-A-G. GRCh37 (hg19) VCF-style: chr2-166226666-A-G.
Other names: c.3706A>G, p.Lys1236Glu (NM_001040143.2, NM_001371246.1, NM_001371247.1 and 1 more transcripts); short protein forms K1236E.
Identifiers: ClinVar variation 1213466 (VCV001213466.15), dbSNP rs1229209018, ClinGen allele CA349027642.